The following is an entry in ClinVar:

ClinVar aggregate classification (germline): Uncertain significance (1 of 4 stars; one submission).

Submission:

GeneDx
Classification: Uncertain significance. Last evaluated: 2025-01-09. Review status: criteria provided, single submitter. Criteria: GeneDx Variant Classification Process June 2021. Collection method: clinical testing. Allele origin: germline. Affected: yes.
Comment: Canonical splice site variant in a gene for which loss-of-function is not an established mechanism of disease; Not observed at significant frequency in large population cohorts (gnomAD); Has not been previously published as pathogenic or benign to our knowledge

NM_003392.7(WNT5A):c.141-1G>T

Gene: WNT5A (Wnt family member 5A; minus strand). Cytogenetic location: 3p14.3.
Variant type: single nucleotide variant.
Coding change: c.141-1G>T on transcript NM_003392.7 (MANE Select); the canonical splice acceptor site of the intron before coding-DNA position 141, G replaced by T.
Molecular consequence: splice acceptor variant.
Genome position (GRCh38, 1-based): chr3:55,479,565, C>A on the plus strand (G>T on the coding strand, the complement: WNT5A is on the minus strand). VCF-style: chr3-55479565-C-A. GRCh37 (hg19) VCF-style: chr3-55513593-C-A.
Other names: c.96-1G>T (NM_001377271.1, NM_001377272.1, NM_001256105.1).
Identifiers: ClinVar variation 4057016 (VCV004057016.1).